The following is an entry in ClinVar:

NM_001371596.2(MFSD8):c.193C>T (p.Gln65Ter)

Gene: MFSD8 (major facilitator superfamily domain containing 8; minus strand). Cytogenetic location: 4q28.2.
Variant type: single nucleotide variant.
Coding change: c.193C>T on transcript NM_001371596.2 (MANE Select); coding-DNA position 193, C replaced by T.
Protein change: p.Gln65Ter; replaces glutamine 65 with a stop codon.
Molecular consequence: nonsense.
Genome position (GRCh38, 1-based): chr4:127,949,809, G>A on the plus strand (C>T on the coding strand, the complement: MFSD8 is on the minus strand). VCF-style: chr4-127949809-G-A. GRCh37 (hg19) VCF-style: chr4-128870964-G-A.
Other names: c.193C>T, p.Gln65Ter (NM_001363521.3, NM_001371591.2, NM_001371592.2 and 5 more transcripts); c.58C>T, p.Gln20Ter (NM_001371590.2, NM_001410765.1, NM_001371595.1); short protein forms Q20*, Q65*.
Identifiers: ClinVar variation 3336668 (VCV003336668.1).
Genomic context (GRCh38, chr4:127,949,809, plus strand): 5'-GTAAGAGTTACTACTACTGTAGCTATAAGGGAAAAATAGATTGAAATGTACAAACCTTTT[G>A]GAGATATGGCCATATGGACATCATCACTACAGAAAACCCTGTGAAGAAGCAAACTAGGTT-3'

ClinVar aggregate classification (germline): Likely pathogenic (1 of 4 stars; one submission).

Conditions:
Neuronal ceroid lipofuscinosis 7 (CLN7). Also called: MFSD8-Related Neuronal Ceroid-Lipofuscinosis. Identifiers: Orphanet 168491, Orphanet 228366, MedGen C1838571, MONDO:0012588, OMIM 610951.
Macular dystrophy with central cone involvement (CCMD). Identifiers: MedGen C4015371, MONDO:0014515, OMIM 616170.

Submission:

Igenomix - Part of Vitrolife Group, Igenomix
Classification: Likely pathogenic for Neuronal ceroid lipofuscinosis 7; Macular dystrophy with central cone involvement. Review status: criteria provided, single submitter. Criteria: ACMG Guidelines, 2015. Collection method: clinical testing. Allele origin: germline. Inheritance: Autosomal recessive inheritance. Affected: no.
Comment: The MFSD8 variant (NM_001371596.2:c.193C>T, p.Gln65Ter) results in a premature termination codon, predicted to cause a truncation of the encoded protein or absence of the protein due to nonsense mediated decay, which are commonly known mechanisms for disease (PVS1). Truncations downstream of this position have been classified as pathogenic. This variant is absent in the gnomAD v4.1.0 (PM2). To our knowledge, no experimental evidence demonstrating an impact on protein function has been reported. Based on the evidence outlined above, the variant was classified as likely pathogenic. This variant was detected in the heterozygous state through carrier screening.